The following is an entry in ClinVar:

ClinVar aggregate classification (germline): Likely benign (1 of 4 stars; one submission).

Submission:

CeGaT Center for Human Genetics Tuebingen
Classification: Likely benign. Last evaluated: 2023-09-01. Review status: criteria provided, single submitter. Criteria: CeGaT Center For Human Genetics Tuebingen Variant Classification Criteria Version 2. Collection method: clinical testing. Allele origin: germline. Affected: yes. Observed: 1 variant allele.
Comment: ACTL6B: PM2:Supporting, BP4, BP7

NM_016188.5(ACTL6B):c.150C>T (p.Gly50=)

Gene: ACTL6B (actin like 6B; minus strand). Cytogenetic location: 7q22.1.
Variant type: single nucleotide variant.
Coding change: c.150C>T on transcript NM_016188.5 (MANE Select); coding-DNA position 150, C replaced by T.
Protein change: p.Gly50=; no amino-acid change (glycine 50 retained).
Molecular consequence: synonymous variant. On other transcripts: non-coding transcript variant (1).
Genome position (GRCh38, 1-based): chr7:100,655,539, G>A on the plus strand (C>T on the coding strand, the complement: ACTL6B is on the minus strand). VCF-style: chr7-100655539-G-A. GRCh37 (hg19) VCF-style: chr7-100253162-G-A.
Identifiers: ClinVar variation 2657756 (VCV002657756.24), dbSNP rs1416113813, ClinGen allele CA456895176.